The following is an entry in ClinVar:

NM_001134407.3(GRIN2A):c.2047G>C (p.Gly683Arg)

Gene: GRIN2A (glutamate ionotropic receptor NMDA type subunit 2A; minus strand). Cytogenetic location: 16p13.2.
Variant type: single nucleotide variant.
Coding change: c.2047G>C on transcript NM_001134407.3 (MANE Select); coding-DNA position 2047, G replaced by C.
Protein change: p.Gly683Arg; replaces glycine 683 with arginine.
Molecular consequence: missense variant.
Genome position (GRCh38, 1-based): chr16:9,822,385, C>G on the plus strand (G>C on the coding strand, the complement: GRIN2A is on the minus strand). VCF-style: chr16-9822385-C-G. GRCh37 (hg19) VCF-style: chr16-9916242-C-G.
Other names: c.2047G>C, p.Gly683Arg (NM_001134408.2, NM_000833.5); short protein forms G683R.
Identifiers: ClinVar variation 2500345 (VCV002500345.3), dbSNP rs2506094727, ClinGen allele CA394797923.

ClinVar aggregate classification (germline): Uncertain significance (1 of 4 stars; one submission).

Conditions:
Landau-Kleffner syndrome (FESD). Also called: APHASIA, ACQUIRED, WITH EPILEPSY; EPILEPSY, FOCAL, WITH SPEECH DISORDER AND WITH OR WITHOUT MENTAL RETARDATION. Identifiers: Orphanet 1945, Orphanet 725, Orphanet 98818, MedGen C0282512, MONDO:0009509, OMIM 245570.

Submission:

Institute of Human Genetics, University of Leipzig Medical Center
Classification: Uncertain significance for Landau-Kleffner syndrome. Last evaluated: 2023-04-19. Review status: criteria provided, single submitter. Criteria: ACMG Guidelines, 2015. Collection method: clinical testing. Allele origin: unknown. Affected: yes.
Comment: Criteria applied: PM1,PM2_SUP,PP3